The following is an entry in ClinVar:

ClinVar aggregate classification (germline): Uncertain significance (1 of 4 stars; one submission).

Allele frequency attached by ClinVar (database versions not stated): gnomAD exomes 0.00002 and 0.00004; gnomAD 0.00003 and 0.00004; TOPMed 0.00003; ExAC 0.00006.
gnomAD v4.1: 30 of 1,576,994 alleles (0.0019%); highest among the groups gnomAD compares: Admixed American, 0.024%; no homozygotes.

Submission:

Labcorp Genetics (formerly Invitae), Labcorp
Classification: Uncertain significance. Last evaluated: 2024-11-27. Review status: criteria provided, single submitter. Criteria: Invitae Variant Classification Sherloc (09022015). Collection method: clinical testing. Allele origin: germline.
Comment: This sequence change replaces glutamic acid, which is acidic and polar, with lysine, which is basic and polar, at codon 2337 of the FBN3 protein (p.Glu2337Lys). This variant is present in population databases (rs774780270, gnomAD 0.02%). This variant has not been reported in the literature in individuals affected with FBN3-related conditions. ClinVar contains an entry for this variant (Variation ID: 1385226). Invitae Evidence Modeling of protein sequence and biophysical properties (such as structural, functional, and spatial information, amino acid conservation, physicochemical variation, residue mobility, and thermodynamic stability) indicates that this missense variant is not expected to disrupt FBN3 protein function with a negative predictive value of 80%. In summary, the available evidence is currently insufficient to determine the role of this variant in disease. Therefore, it has been classified as a Variant of Uncertain Significance.

NM_032447.5(FBN3):c.7009G>A (p.Glu2337Lys)

Gene: FBN3 (fibrillin 3; minus strand). Cytogenetic location: 19p13.2.
Variant type: single nucleotide variant.
Coding change: c.7009G>A on transcript NM_032447.5 (MANE Select); coding-DNA position 7009, G replaced by A.
Protein change: p.Glu2337Lys; replaces glutamic acid 2337 with lysine.
Molecular consequence: missense variant.
Genome position (GRCh38, 1-based): chr19:8,085,441, C>T on the plus strand (G>A on the coding strand, the complement: FBN3 is on the minus strand). VCF-style: chr19-8085441-C-T. GRCh37 (hg19) VCF-style: chr19-8150325-C-T.
Other names: c.7009G>A, p.Glu2337Lys (NM_001321431.2); short protein forms E2337K.
Identifiers: ClinVar variation 1385226 (VCV001385226.6), dbSNP rs774780270, ClinGen allele CA9151024.